The following is an entry in ClinVar:

NC_000005.9:g.(?_126769035)_(126778838_?)dup

Gene: MEGF10 (multiple EGF like domains 10; plus strand). Cytogenetic location: 5q23.2.
Variant type: Duplication.
Identifiers: ClinVar variation 1440370 (VCV001440370.8).

ClinVar aggregate classification (germline): Uncertain significance (1 of 4 stars; one submission).

Conditions:
MEGF10-related myopathy (CMYO10A). Also called: Congenital myopathy 10A, severe variant. Identifiers: Orphanet 439212, MedGen C3280679, MONDO:0013731, OMIM 614399.

Submission:

Labcorp Genetics (formerly Invitae), Labcorp
Classification: Uncertain significance for MEGF10-related myopathy. Last evaluated: 2021-06-25. Review status: criteria provided, single submitter. Criteria: Invitae Variant Classification Sherloc (09022015). Collection method: clinical testing. Allele origin: germline.
Comment: In summary, the available evidence is currently insufficient to determine the role of this variant in disease. Therefore, it has been classified as a Variant of Uncertain Significance. Experimental studies and prediction algorithms are not available or were not evaluated, and the functional significance of this variant is currently unknown. This variant has not been reported in the literature in individuals with MEGF10-related conditions. This variant results in a copy number gain of the genomic region encompassing exon(s) 15-20 of the MEGF10 gene. While the exact position of this variant cannot be determined from the data, sub-genic copy number gains are generally in tandem (PMID: 25640679). This variant is predicted to be in-frame, and likely preserves the integrity of the reading frame.

Literature cited by the submitters: PubMed 25640679.